The following is an entry in ClinVar:

ClinVar aggregate classification (germline): Uncertain significance (1 of 4 stars; one submission).

Submission:

GeneDx
Classification: Uncertain significance. Last evaluated: 2024-05-30. Review status: criteria provided, single submitter. Criteria: GeneDx Variant Classification Process June 2021. Collection method: clinical testing. Allele origin: germline. Affected: yes.
Comment: Not observed at significant frequency in large population cohorts (gnomAD); In silico analysis supports that this missense variant has a deleterious effect on protein structure/function; Has not been previously published as pathogenic or benign to our knowledge

NM_007325.5(GRIA3):c.70G>T (p.Gly24Cys)

Gene: GRIA3 (glutamate ionotropic receptor AMPA type subunit 3; plus strand). Cytogenetic location: Xq25.
Variant type: single nucleotide variant.
Coding change: c.70G>T on transcript NM_007325.5 (MANE Select); coding-DNA position 70, G replaced by T.
Protein change: p.Gly24Cys; replaces glycine 24 with cysteine.
Molecular consequence: missense variant.
Genome position (GRCh38, 1-based): chrX:123,184,605, G>T. VCF-style: chrX-123184605-G-T. GRCh37 (hg19) VCF-style: chrX-122318457-G-T.
Other names: c.70G>T, p.Gly24Cys (NM_000828.5, NM_001256743.2); short protein forms G24C.
Identifiers: ClinVar variation 3383739 (VCV003383739.1).
Genomic context (GRCh38, chrX:123,184,605, plus strand): 5'-CAGAAGAAAATGGGGCAAAGCGTGCTCCGGGCGGTCTTCTTTTTAGTCCTGGGGCTTTTG[G>T]GTCATTCTCACGGAGGATTCCCCAACACCATCAGCATAGGTAAGCGCAAGCGAGCCAGCC-3'
Protein context (NP_015564.5, residues 14-34): AVFFLVLGLL[Gly24Cys]HSHGGFPNTI